The following is an entry in ClinVar:

ClinVar aggregate classification (germline): Pathogenic/Likely pathogenic. Review status: criteria provided, multiple submitters, no conflicts (2 of 4 stars). 6 submissions from 5 submitters: Pathogenic (5); Likely pathogenic (1). Last evaluated 2024-04-02.

Conditions:
CLCN1-related disorder. Also called: CLCN1-related condition.
Congenital myotonia, autosomal recessive form. Also called: Becker Generalized Myotonia; BECKER DISEASE; myotonia congenita, autosomal recessive. Identifiers: Orphanet 614, MedGen C0751360, MONDO:0009715, OMIM 255700.
Congenital myotonia, autosomal dominant form (THD). Also called: THOMSEN DISEASE; Myotonia congenita autosomal dominant. Identifiers: Orphanet 614, MedGen C2936781, MONDO:0008055, OMIM 160800.
RASopathy. Also called: rasopathies; Noonan spectrum disorder. Identifiers: Orphanet 536391, MedGen C5555857, MONDO:0021060.

Allele frequency attached by ClinVar (database versions not stated): gnomAD 0.00004; ExAC 0.00008; gnomAD exomes 0.00008.
gnomAD v4.1: 56 of 1,613,732 alleles (0.0035%); highest among the groups gnomAD compares: Non-Finnish European, 0.00042%; 1 homozygote.

Submissions (6):

GeneDx
Classification: Pathogenic. Last evaluated: 2024-04-02. Review status: criteria provided, single submitter. Criteria: GeneDx Variant Classification Process June 2021. Collection method: clinical testing. Allele origin: germline. Affected: yes.
Comment: Non-canonical splice variant demonstrated to affect splicing and result in a null allele in a gene for which loss of function is a known mechanism (PMID: 23152584); This variant is associated with the following publications: (PMID: 37273706, 23152584)

Fulgent Genetics
Classification: Pathogenic for Congenital myotonia, autosomal dominant form; Congenital myotonia, autosomal recessive form. Last evaluated: 2024-03-11. Review status: criteria provided, single submitter. Criteria: ACMG Guidelines, 2015. Collection method: clinical testing. Allele origin: germline.

Women's Health and Genetics/Laboratory Corporation of America, LabCorp
Classification: Pathogenic for Congenital myotonia, autosomal recessive form. Last evaluated: 2024-03-11. Review status: criteria provided, single submitter. Criteria: LabCorp Variant Classification Summary - May 2015. Collection method: clinical testing. Allele origin: germline.
Comment: Variant summary: CLCN1 c.264G>A alters a conserved nucleotide resulting in a synonymous change. Consensus agreement among computation tools predict no significant impact on normal splicing. However, sequenced mRNA of patients homozygous for the variant was shown to result in exon 2 skipping (e.g. Raheem_2012). The variant allele was found at a frequency of 8e-05 in 251408 control chromosomes. This frequency is not significantly higher than estimated for a pathogenic variant in CLCN1 causing Myotonia congenita (8e-05 vs 0.0035), allowing no conclusion about variant significance. c.264G>A has been reported in the literature in multiple compound heterozygous and homozygous individuals affected with nondystrophic myotonia (e.g. Raheem_2012). These data indicate that the variant is very likely to be associated with disease. The following publication has been ascertained in the context of this evaluation (PMID: 23152584). ClinVar contains an entry for this variant (Variation ID: 462840). Based on the evidence outlined above, the variant was classified as pathogenic.

Women's Health and Genetics/Laboratory Corporation of America, LabCorp
Classification: Pathogenic for RASopathy. Last evaluated: 2024-03-11. Review status: criteria provided, single submitter. Criteria: LabCorp Variant Classification Summary - May 2015. Collection method: clinical testing. Allele origin: germline.

Labcorp Genetics (formerly Invitae), Labcorp
Classification: Likely pathogenic for Congenital myotonia, autosomal recessive form; Congenital myotonia, autosomal dominant form. Last evaluated: 2024-01-07. Review status: criteria provided, single submitter. Criteria: Invitae Variant Classification Sherloc (09022015). Collection method: clinical testing. Allele origin: germline.
Comment: This sequence change affects codon 88 of the CLCN1 mRNA. It is a 'silent' change, meaning that it does not change the encoded amino acid sequence of the CLCN1 protein. This variant is present in population databases (rs759188441, gnomAD 0.08%). This variant has been observed in individuals with autosomal recessive myotonia congenita (PMID: 23152584; Invitae). It has also been observed to segregate with disease in related individuals. ClinVar contains an entry for this variant (Variation ID: 462840). Algorithms developed to predict the effect of sequence changes on RNA splicing suggest that this variant may disrupt the consensus splice site. In summary, the currently available evidence indicates that the variant is pathogenic, but additional data are needed to prove that conclusively. Therefore, this variant has been classified as Likely Pathogenic.

Blueprint Genetics
Classification: Pathogenic for CLCN1-related disorders. Last evaluated: 2022-04-28. Review status: criteria provided, single submitter. Criteria: ACMG Guidelines, 2015. Collection method: clinical testing. Allele origin: germline. Affected: yes. Observed: 5 variant alleles.

Literature cited by the submitters: PubMed 23152584 (cited by Women's Health and Genetics/Laboratory Corporation of America, LabCorp and Labcorp Genetics (formerly Invitae), Labcorp).

NM_000083.3(CLCN1):c.264G>A (p.Val88=)

Gene: CLCN1 (chloride voltage-gated channel 1; plus strand). Cytogenetic location: 7q34.
Variant type: single nucleotide variant.
Coding change: c.264G>A on transcript NM_000083.3 (MANE Select); coding-DNA position 264, G replaced by A.
Protein change: p.Val88=; no amino-acid change (valine 88 retained).
Molecular consequence: synonymous variant. On other transcripts: non-coding transcript variant (1).
Genome position (GRCh38, 1-based): chr7:143,319,838, G>A. VCF-style: chr7-143319838-G-A. GRCh37 (hg19) VCF-style: chr7-143016931-G-A.
Identifiers: ClinVar variation 462840 (VCV000462840.12), dbSNP rs759188441, ClinGen allele CA4536880.